The following is an entry in ClinVar:

ClinVar aggregate classification (germline): Likely pathogenic. Review status: criteria provided, multiple submitters, no conflicts (2 of 4 stars). 2 submissions from 2 submitters: Likely pathogenic (2). Last evaluated 2024-01-05.

gnomAD v4.1: 19 of 1,610,004 alleles (0.0012%); highest among the groups gnomAD compares: Non-Finnish European, 0.0016%; no homozygotes.

Submissions (2):

GeneDx
Classification: Likely pathogenic. Last evaluated: 2024-01-05. Review status: criteria provided, single submitter. Criteria: GeneDx Variant Classification Process June 2021. Collection method: clinical testing. Allele origin: germline. Affected: yes.
Comment: In silico analysis supports that this missense variant has a deleterious effect on protein structure/function; Not observed at significant frequency in large population cohorts (gnomAD); This variant is associated with the following publications: (PMID: 36357319, 33012273, 26197978, 36453471, 30369941)

CeGaT Center for Human Genetics Tuebingen
Classification: Likely pathogenic. Last evaluated: 2019-07-01. Review status: criteria provided, single submitter. Criteria: CeGaT Center For Human Genetics Tuebingen Variant Classification Criteria Version 2. Collection method: clinical testing. Allele origin: germline. Affected: yes. Observed: 1 variant allele.

NM_018294.6(CWF19L1):c.37G>C (p.Asp13His)

Gene: CWF19L1 (CWF19 like cell cycle control factor 1; minus strand). Cytogenetic location: 10q24.31.
Variant type: single nucleotide variant.
Coding change: c.37G>C on transcript NM_018294.6 (MANE Select); coding-DNA position 37, G replaced by C.
Protein change: p.Asp13His; replaces aspartic acid 13 with histidine.
Molecular consequence: missense variant. On other transcripts: 5 prime UTR variant (2), intron variant (1).
Genome position (GRCh38, 1-based): chr10:100,262,050, C>G on the plus strand (G>C on the coding strand, the complement: CWF19L1 is on the minus strand). VCF-style: chr10-100262050-C-G. GRCh37 (hg19) VCF-style: chr10-102021807-C-G.
Other names: c.37G>C, p.Asp13His (NM_001303404.2); c.-375G>C (NM_001303405.2); c.-468G>C (NM_001303407.2); c.-123+5521G>C (NM_001303406.2); c.37G>C (NM_018294.5); short protein forms D13H.
Identifiers: ClinVar variation 872772 (VCV000872772.42), dbSNP rs769036891, ClinGen allele CA212894135.
Genomic context (GRCh38, chr10:100,262,050, plus strand): 5'-CACTTTTCTTCTGAATTGCTTGAACTCTATTGAATAAAATATCAAACTTTCCTTCAACAT[C>G]TCCACAAGCCAAGCTGCAAACAAAGAGATAAACATTATAGCAATTCAGGAAACAAATGGG-3'
Protein context (NP_060764.3, residues 3-23): QKPLRLLACG[Asp13His]VEGKFDILFN